The following is an entry in ClinVar:

ClinVar aggregate classification (germline): Likely pathogenic (1 of 4 stars; one submission).

Allele frequency attached by ClinVar (database versions not stated): TOPMed below 0.00001; gnomAD 0.00001.

Submission:

Labcorp Genetics (formerly Invitae), Labcorp
Classification: Likely pathogenic. Last evaluated: 2022-08-09. Review status: criteria provided, single submitter. Criteria: Invitae Variant Classification Sherloc (09022015). Collection method: clinical testing. Allele origin: germline.
Comment: ClinVar contains an entry for this variant (Variation ID: 1508886). This variant has not been reported in the literature in individuals affected with CNGB3-related conditions. This variant is not present in population databases (gnomAD no frequency). This sequence change affects a donor splice site in intron 7 of the CNGB3 gene. It is expected to disrupt RNA splicing. Variants that disrupt the donor or acceptor splice site typically lead to a loss of protein function (PMID: 16199547), and loss-of-function variants in CNGB3 are known to be pathogenic (PMID: 28795510). Algorithms developed to predict the effect of sequence changes on RNA splicing suggest that this variant may disrupt the consensus splice site. In summary, the currently available evidence indicates that the variant is pathogenic, but additional data are needed to prove that conclusively. Therefore, this variant has been classified as Likely Pathogenic.

Literature cited by the submitters: PubMed 16199547; PubMed 28795510.

NM_019098.5(CNGB3):c.903+1G>A

Gene: CNGB3 (cyclic nucleotide gated channel subunit beta 3; minus strand). Cytogenetic location: 8q21.3.
Variant type: single nucleotide variant.
Coding change: c.903+1G>A on transcript NM_019098.5 (MANE Select); the canonical splice donor site of the intron after coding-DNA position 903, G replaced by A.
Molecular consequence: splice donor variant.
Genome position (GRCh38, 1-based): chr8:86,654,011, C>T on the plus strand (G>A on the coding strand, the complement: CNGB3 is on the minus strand). VCF-style: chr8-86654011-C-T. GRCh37 (hg19) VCF-style: chr8-87666239-C-T.
Identifiers: ClinVar variation 1508886 (VCV001508886.9), dbSNP rs1440619177, ClinGen allele CA371448359.
Genomic context (GRCh38, chr8:86,654,011, plus strand): 5'-GGATTTAAAGTCAAAATGGTAATAGATCACGTGAGCAACTTTGAAATTGTTTGTCACCTA[C>T]CTGAAATTTTGTAGAAGTCCTGTAGTGTTTCCTTAGCTCATTTGAATCCACCTGAAAGAT-3'